The following is an entry in ClinVar:

NM_018368.4(LMBRD1):c.1023C>T (p.Phe341=)

Gene: LMBRD1 (LMBR1 domain containing 1; minus strand). Cytogenetic location: 6q13.
Variant type: single nucleotide variant.
Coding change: c.1023C>T on transcript NM_018368.4 (MANE Select); coding-DNA position 1023, C replaced by T.
Protein change: p.Phe341=; no amino-acid change (phenylalanine 341 retained).
Molecular consequence: synonymous variant.
Genome position (GRCh38, 1-based): chr6:69,701,503, G>A on the plus strand (C>T on the coding strand, the complement: LMBRD1 is on the minus strand). VCF-style: chr6-69701503-G-A. GRCh37 (hg19) VCF-style: chr6-70411395-G-A.
Other names: c.804C>T, p.Phe268= (NM_001363722.2, NM_001367271.1, NM_001367272.1).
Identifiers: ClinVar variation 383914 (VCV000383914.14), dbSNP rs765215874, ClinGen allele CA3879699.

ClinVar aggregate classification (germline): Likely benign. Review status: criteria provided, multiple submitters, no conflicts (2 of 4 stars). 3 submissions from 3 submitters: Likely benign (3). Last evaluated 2026-05-01.

Conditions:
Methylmalonic aciduria and homocystinuria type cblF. Also called: COBALAMIN F DISEASE; COBALAMIN, DEFECT IN LYSOSOMAL RELEASE OF; VITAMIN B12 LYSOSOMAL RELEASE DEFECT; VITAMIN B12 STORAGE DISEASE; METHYLMALONIC ACIDEMIA AND HOMOCYSTINURIA, cblF TYPE; METHYLMALONIC ACIDURIA DUE TO VITAMIN B12-RELEASE DEFECT. Identifiers: Orphanet 79284, MedGen C1848578, MONDO:0010183, OMIM 277380.

Allele frequency attached by ClinVar (database versions not stated): ExAC 0.00007; gnomAD exomes 0.00007 and 0.00010; gnomAD 0.00009; TOPMed 0.00012.
gnomAD v4.1: 160 of 1,608,130 alleles (0.0099%); highest among the groups gnomAD compares: Non-Finnish European, 0.013%; no homozygotes.

Submissions (3):

CeGaT Center for Human Genetics Tuebingen
Classification: Likely benign. Last evaluated: 2026-05-01. Review status: criteria provided, single submitter. Criteria: CeGaT Center For Human Genetics Tuebingen Variant Classification Criteria Version 2. Collection method: clinical testing. Allele origin: germline. Affected: yes. Observed: 1 variant allele.
Comment: LMBRD1: BP4, BP7

Labcorp Genetics (formerly Invitae), Labcorp
Classification: Likely benign for Methylmalonic aciduria and homocystinuria type cblF. Last evaluated: 2025-12-11. Review status: criteria provided, single submitter. Criteria: Invitae Variant Classification Sherloc (09022015). Collection method: clinical testing. Allele origin: germline.

GeneDx
Classification: Likely benign. Last evaluated: 2017-12-08. Review status: criteria provided, single submitter. Criteria: GeneDx Variant Classification (06012015). Collection method: clinical testing. Allele origin: germline. Affected: yes.
Comment: This variant is considered likely benign or benign based on one or more of the following criteria: it is a conservative change, it occurs at a poorly conserved position in the protein, it is predicted to be benign by multiple in silico algorithms, and/or has population frequency not consistent with disease.